The following is an entry in ClinVar:

ClinVar aggregate classification (germline): Conflicting classifications of pathogenicity. Review status: criteria provided, conflicting classifications (1 of 4 stars). 2 submissions from 2 submitters: Uncertain significance (1); Likely benign (1). Last evaluated 2025-05-19.

Conditions:
Inborn genetic diseases. Identifiers: MedGen C0950123, MeSH D030342.

Allele frequency attached by ClinVar (database versions not stated): TOPMed below 0.00001; ExAC 0.00002.
gnomAD v4.1: 14 of 1,605,370 alleles (0.00087%); highest among the groups gnomAD compares: East Asian, 0.016%; no homozygotes.

Submissions (2):

Ambry Genetics
Classification: Likely benign for Inborn genetic diseases. Last evaluated: 2025-05-19. Review status: criteria provided, single submitter. Criteria: Ambry Variant Classification Scheme 2023. Collection method: clinical testing. Allele origin: germline.

Labcorp Genetics (formerly Invitae), Labcorp
Classification: Uncertain significance. Last evaluated: 2024-09-21. Review status: criteria provided, single submitter. Criteria: Invitae Variant Classification Sherloc (09022015). Collection method: clinical testing. Allele origin: germline.
Comment: This sequence change replaces proline, which is neutral and non-polar, with threonine, which is neutral and polar, at codon 1849 of the KMT2A protein (p.Pro1849Thr). This variant is present in population databases (rs369974258, gnomAD 0.03%). This variant has not been reported in the literature in individuals affected with KMT2A-related conditions. ClinVar contains an entry for this variant (Variation ID: 1906984). Invitae Evidence Modeling of protein sequence and biophysical properties (such as structural, functional, and spatial information, amino acid conservation, physicochemical variation, residue mobility, and thermodynamic stability) has been performed for this missense variant. However, the output from this modeling did not meet the statistical confidence thresholds required to predict the impact of this variant on KMT2A protein function. In summary, the available evidence is currently insufficient to determine the role of this variant in disease. Therefore, it has been classified as a Variant of Uncertain Significance.

NM_001197104.2(KMT2A):c.5545C>A (p.Pro1849Thr)

Gene: KMT2A (lysine methyltransferase 2A; plus strand). Cytogenetic location: 11q23.3.
Variant type: single nucleotide variant.
Coding change: c.5545C>A on transcript NM_001197104.2 (MANE Select); coding-DNA position 5545, C replaced by A.
Protein change: p.Pro1849Thr; replaces proline 1849 with threonine.
Molecular consequence: missense variant.
Genome position (GRCh38, 1-based): chr11:118,495,881, C>A. VCF-style: chr11-118495881-C-A. GRCh37 (hg19) VCF-style: chr11-118366596-C-A.
Other names: c.5635C>A, p.Pro1879Thr (NM_001412597.1); c.5536C>A, p.Pro1846Thr (NM_005933.4); short protein forms P1849T, P1846T, P1879T.
Identifiers: ClinVar variation 1906984 (VCV001906984.6), dbSNP rs369974258, ClinGen allele CA6304064.